The following is an entry in ClinVar:

NM_138393.4(REEP6):c.184G>A (p.Gly62Arg)

Gene: REEP6 (receptor accessory protein 6; plus strand). Cytogenetic location: 19p13.3.
Variant type: single nucleotide variant.
Coding change: c.184G>A on transcript NM_138393.4 (MANE Select); coding-DNA position 184, G replaced by A.
Protein change: p.Gly62Arg; replaces glycine 62 with arginine.
Molecular consequence: missense variant.
Genome position (GRCh38, 1-based): chr19:1,495,362, G>A. VCF-style: chr19-1495362-G-A. GRCh37 (hg19) VCF-style: chr19-1495361-G-A.
Other names: c.184G>A, p.Gly62Arg (NM_001329556.3); short protein forms G62R.
Identifiers: ClinVar variation 1469038 (VCV001469038.4), dbSNP rs747486549, ClinGen allele CA9047423.

ClinVar aggregate classification (germline): Uncertain significance (1 of 4 stars; one submission).

Allele frequency attached by ClinVar (database versions not stated): gnomAD exomes below 0.00001; ExAC 0.00001; gnomAD 0.00002; TOPMed 0.00003.
gnomAD v4.1: 7 of 1,613,654 alleles (0.00043%); highest among the groups gnomAD compares: Admixed American, 0.0033%; no homozygotes.

Submission:

Labcorp Genetics (formerly Invitae), Labcorp
Classification: Uncertain significance. Last evaluated: 2022-11-22. Review status: criteria provided, single submitter. Criteria: Invitae Variant Classification Sherloc (09022015). Collection method: clinical testing. Allele origin: germline.
Comment: In summary, the available evidence is currently insufficient to determine the role of this variant in disease. Therefore, it has been classified as a Variant of Uncertain Significance. Experimental studies and prediction algorithms are not available or were not evaluated, and the functional significance of this variant is currently unknown. ClinVar contains an entry for this variant (Variation ID: 1469038). This variant has not been reported in the literature in individuals affected with REEP6-related conditions. This variant is present in population databases (rs747486549, gnomAD 0.003%). This sequence change replaces glycine with arginine at codon 62 of the REEP6 protein (p.Gly62Arg). The glycine residue is highly conserved and there is a moderate physicochemical difference between glycine and arginine.